The following is an entry in ClinVar:

NM_006493.4(CLN5):c.-11G>A

Gene: CLN5 (CLN5 lysosomal BMP synthase; plus strand). Cytogenetic location: 13q22.3.
Variant type: single nucleotide variant.
Coding change: c.-11G>A on transcript NM_006493.4 (MANE Select); 11 bases upstream of the start codon, G replaced by A.
Molecular consequence: 5 prime UTR variant.
Genome position (GRCh38, 1-based): chr13:76,992,088, G>A. VCF-style: chr13-76992088-G-A. GRCh37 (hg19) VCF-style: chr13-77566223-G-A.
Other names: c.-11G>A (NM_001366624.2).
Identifiers: ClinVar variation 1483469 (VCV001483469.8), dbSNP rs774598730, ClinGen allele CA388306143.
Genomic context (GRCh38, chr13:76,992,088, plus strand): 5'-CGGCTCCGCGCATGCTCCTCCCACCGGCGTCGCAGGCCTCGAGAGGCTCCGGAAGTACTG[G>A]GTGCAGCCTGATGGCGCAGGAGGTAGACACGGCACAGGGCGCCGAGATGCGGCGGGGCGC-3'

ClinVar aggregate classification (germline): Uncertain significance (1 of 4 stars; one submission).

Conditions:
Neuronal ceroid lipofuscinosis. Also called: Neuronal Ceroid Lipofuscinoses. Identifiers: Orphanet 216, Orphanet 79263, MedGen C0027877, MONDO:0016295. Disease mechanism: loss of function.

Submission:

Labcorp Genetics (formerly Invitae), Labcorp
Classification: Uncertain significance for Neuronal ceroid lipofuscinosis. Last evaluated: 2020-11-11. Review status: criteria provided, single submitter. Criteria: Invitae Variant Classification Sherloc (09022015). Collection method: clinical testing. Allele origin: germline.
Comment: This sequence change replaces glycine with glutamic acid at codon 46 of the CLN5 protein (p.Gly46Glu). The glycine residue is weakly conserved and there is a moderate physicochemical difference between glycine and glutamic acid. This variant is not present in population databases (ExAC no frequency). This variant has not been reported in the literature in individuals with CLN5-related conditions. Algorithms developed to predict the effect of missense changes on protein structure and function are either unavailable or do not agree on the potential impact of this missense change (SIFT: "Deleterious"; PolyPhen-2: "Probably Damaging"; Align-GVGD: "Class C0"). In summary, the available evidence is currently insufficient to determine the role of this variant in disease. Therefore, it has been classified as a Variant of Uncertain Significance.